The following is an entry in ClinVar:

ClinVar aggregate classification (germline): Uncertain significance. Review status: criteria provided, multiple submitters, no conflicts (2 of 4 stars). 2 submissions from 2 submitters: Uncertain significance (2). Last evaluated 2026-03-22.

gnomAD v4.1: 37 of 1,614,058 alleles (0.0023%); highest among the groups gnomAD compares: Non-Finnish European, 0.0031%; no homozygotes.

Submissions (2):

GeneDx
Classification: Uncertain significance. Last evaluated: 2026-03-22. Review status: criteria provided, single submitter. Criteria: GeneDx Variant Classification Process June 2021. Collection method: clinical testing. Allele origin: germline.
Comment: Not observed at significant frequency in large population cohorts (gnomAD); In silico analysis supports that this missense variant has a deleterious effect on protein structure/function; Has not been previously published as pathogenic or benign to our knowledge

Mayo Clinic Laboratories, Mayo Clinic
Classification: Uncertain significance. Last evaluated: 2025-07-11. Review status: criteria provided, single submitter. Criteria: ACMG Guidelines, 2015. Collection method: clinical testing. Allele origin: germline. Observed: 1 variant allele.
Comment: PP3_moderate

NM_002334.4(LRP4):c.1073G>T (p.Cys358Phe)

Gene: LRP4 (LDL receptor related protein 4; minus strand). Cytogenetic location: 11p11.2.
Variant type: single nucleotide variant.
Coding change: c.1073G>T on transcript NM_002334.4 (MANE Select); coding-DNA position 1073, G replaced by T.
Protein change: p.Cys358Phe; replaces cysteine 358 with phenylalanine.
Molecular consequence: missense variant.
Genome position (GRCh38, 1-based): chr11:46,895,994, C>A on the plus strand (G>T on the coding strand, the complement: LRP4 is on the minus strand). VCF-style: chr11-46895994-C-A. GRCh37 (hg19) VCF-style: chr11-46917545-C-A.
Other names: p.Cys358Phe; c.1073G>T (NM_002334.3); short protein forms C358F.
Identifiers: ClinVar variation 4541616 (VCV004541616.2).
Genomic context (GRCh38, chr11:46,895,994, plus strand): 5'-CACTGCACTGCCCCCCGCACCATCTGGCACTTCTGGGCACAGCCACCGTTGTTAACATTG[C>A]AGTTCTCCTCACCCGTCCGGGGCCCTGTGCCAGCCAAGCCAGAGTTGGGAGTTGAGCCCA-3'
Protein context (NP_002325.2, residues 348-368): NCRPRTGEEN[Cys358Phe]NVNNGGCAQK